The following is an entry in ClinVar:

NM_130839.5(UBE3A):c.1696G>T (p.Gly566Cys)

Genes: SNHG14 (small nucleolar RNA host gene 14; plus strand), UBE3A (ubiquitin protein ligase E3A; minus strand). Cytogenetic location: 15q11.2.
Variant type: single nucleotide variant.
Coding change: c.1696G>T on transcript NM_130839.5 (MANE Select); coding-DNA position 1696, G replaced by T.
Protein change: p.Gly566Cys; replaces glycine 566 with cysteine.
Molecular consequence: missense variant. On other transcripts: non-coding transcript variant (1).
Genome position (GRCh38, 1-based): chr15:25,360,440, C>A on the plus strand (G>T on the coding strand, the complement: UBE3A is on the minus strand). VCF-style: chr15-25360440-C-A. GRCh37 (hg19) VCF-style: chr15-25605587-C-A.
Other names: c.1705G>T, p.Gly569Cys (NM_000462.5); c.1696G>T, p.Gly566Cys (NM_001354505.1, NM_001354538.2, NM_001354545.2); c.1636G>T, p.Gly546Cys (NM_001354506.2, NM_001354507.2, NM_001354508.2 and 17 more transcripts); c.1519G>T, p.Gly507Cys (NM_001354546.2); c.445G>T, p.Gly149Cys (NM_001354550.2); c.385G>T, p.Gly129Cys (NM_001354551.2); short protein forms G129C, G149C, G507C, G546C, G566C, G569C.
Identifiers: ClinVar variation 3340255 (VCV003340255.1).

ClinVar aggregate classification (germline): Likely pathogenic (1 of 4 stars; one submission).

Submission:

GeneDx
Classification: Likely pathogenic. Last evaluated: 2023-08-29. Review status: criteria provided, single submitter. Criteria: GeneDx Variant Classification Process June 2021. Collection method: clinical testing. Allele origin: germline. Affected: yes.
Comment: Not observed at significant frequency in large population cohorts (gnomAD); In silico analysis supports that this missense variant has a deleterious effect on protein structure/function; Has not been previously published as pathogenic or benign to our knowledge